The following is an entry in ClinVar:

ClinVar aggregate classification (germline): Benign. Review status: criteria provided, multiple submitters, no conflicts (2 of 4 stars). 6 submissions from 6 submitters: Benign (5). 1 of the submissions does not count toward it. Last evaluated 2026-02-04.

Conditions:
Atrioventricular septal defect 5 (AVSD5). Identifiers: MedGen C3280939, MONDO:0013769, OMIM 614474.

Allele frequency attached by ClinVar (database versions not stated): gnomAD exomes 0.03169 and 0.06903; ExAC 0.08029; gnomAD 0.19428 and 0.20625; ESP Exome Variant Server 0.21675; TOPMed 0.21867; 1000 Genomes Project 0.22404; 1000 Genomes Project 30x 0.23751.
gnomAD v4.1: 76,851 of 1,597,168 alleles (4.8%); highest among the groups gnomAD compares: African/African-American, 63%; 16,033 homozygotes.

Submissions (6):

Labcorp Genetics (formerly Invitae), Labcorp
Classification: Benign for Atrioventricular septal defect 5. Last evaluated: 2026-02-04. Review status: criteria provided, single submitter. Criteria: Invitae Variant Classification Sherloc (09022015). Collection method: clinical testing. Allele origin: germline.

Blueprint Genetics
Classification: Benign. Last evaluated: 2024-11-28. Review status: criteria provided, single submitter. Criteria: ACMG Guidelines, 2015. Collection method: clinical testing. Allele origin: germline.

Women's Health and Genetics/Laboratory Corporation of America, LabCorp
Classification: Benign. Last evaluated: 2023-04-10. Review status: criteria provided, single submitter. Criteria: LabCorp Variant Classification Summary - May 2015. Collection method: clinical testing. Allele origin: germline.

Mayo Clinic Laboratories, Mayo Clinic
Classification: Benign. Last evaluated: 2022-04-26. Review status: criteria provided, single submitter. Criteria: ACMG Guidelines, 2015. Collection method: clinical testing. Allele origin: germline. Observed: 3 variant alleles.

Breakthrough Genomics
Classification: Benign. Review status: criteria provided, single submitter. Criteria: ACMG Guidelines, 2015. Collection method: not provided. Allele origin: germline. Inheritance: Autosomal dominant inheritance. Affected: yes.

Genetic Services Laboratory, University of Chicago
Classification: Likely benign for AllHighlyPenetrant. Review status: no assertion criteria provided. Collection method: clinical testing. Allele origin: germline. Inheritance: Autosomal dominant inheritance. Not counted in ClinVar's aggregate classification.
Comment: Likely benign based on allele frequency in 1000 Genomes Project or ESP global frequency and its presence in a patient with a rare or unrelated disease phenotype. NOT Sanger confirmed.

NM_005257.6(GATA6):c.1620+7A>G

Gene: GATA6 (GATA binding protein 6; plus strand). Cytogenetic location: 18q11.2.
Variant type: single nucleotide variant.
Coding change: c.1620+7A>G on transcript NM_005257.6 (MANE Select); 7 bases into the intron after coding-DNA position 1620, A replaced by G.
Molecular consequence: intron variant.
Genome position (GRCh38, 1-based): chr18:22,183,050, A>G. VCF-style: chr18-22183050-A-G. GRCh37 (hg19) VCF-style: chr18-19763011-A-G.
Other names: p.?; c.1620+7A>G (NM_005257.5).
Identifiers: ClinVar variation 129133 (VCV000129133.18), dbSNP rs3764962, ClinGen allele CA152939.